The following is an entry in ClinVar:

NM_000051.4(ATM):c.143A>G (p.Asp48Gly)

Gene: ATM (ATM serine/threonine kinase; plus strand). Cytogenetic location: 11q22.3.
Variant type: single nucleotide variant.
Coding change: c.143A>G on transcript NM_000051.4 (MANE Select); coding-DNA position 143, A replaced by G.
Protein change: p.Asp48Gly; replaces aspartic acid 48 with glycine.
Molecular consequence: missense variant.
Genome position (GRCh38, 1-based): chr11:108,227,846, A>G. VCF-style: chr11-108227846-A-G. GRCh37 (hg19) VCF-style: chr11-108098573-A-G.
Other names: c.143A>G, p.Asp48Gly (NM_001351834.2, NM_001351835.2, NM_001351836.2); short protein forms D48G.
Identifiers: ClinVar variation 1003628 (VCV001003628.8), dbSNP rs2078822797, ClinGen allele CA382520135.

ClinVar aggregate classification (germline): Uncertain significance (1 of 4 stars; one submission).

Conditions:
Ataxia-telangiectasia syndrome (AT). Also called: Ataxia-telangiectasia, complementation group D; AT, COMPLEMENTATION GROUP C; ATAXIA-TELANGIECTASIA, COMPLEMENTATION GROUP A; ATAXIA-TELANGIECTASIA, FRESNO VARIANT; Ataxia-telangiectasia; Cerebello-oculocutaneous telangiectasia. Identifiers: Orphanet 100, MedGen C0004135, MONDO:0008840, OMIM 208900.

Submission:

Labcorp Genetics (formerly Invitae), Labcorp
Classification: Uncertain significance for Ataxia-telangiectasia syndrome. Last evaluated: 2020-07-12. Review status: criteria provided, single submitter. Criteria: Invitae Variant Classification Sherloc (09022015). Collection method: clinical testing. Allele origin: germline.
Comment: Algorithms developed to predict the effect of missense changes on protein structure and function are either unavailable or do not agree on the potential impact of this missense change (SIFT: "Tolerated"; PolyPhen-2: "Probably Damaging"; Align-GVGD: "Class C0"). This variant has not been reported in the literature in individuals with ATM-related conditions. This variant is not present in population databases (ExAC no frequency). This sequence change replaces aspartic acid with glycine at codon 48 of the ATM protein (p.Asp48Gly). The aspartic acid residue is moderately conserved and there is a moderate physicochemical difference between aspartic acid and glycine. In summary, the available evidence is currently insufficient to determine the role of this variant in disease. Therefore, it has been classified as a Variant of Uncertain Significance.